The following is an entry in ClinVar:

ClinVar aggregate classification (germline): Likely benign. Review status: criteria provided, multiple submitters, no conflicts (2 of 4 stars). 5 submissions from 5 submitters: Likely benign (5). Last evaluated 2026-05-01.

Conditions:
Familial thoracic aortic aneurysm and aortic dissection (TAAD). Also called: Thoracic aortic aneurysms and dissections. Identifiers: Orphanet 91387, MedGen C4707243, MONDO:0019625.
Ehlers-Danlos syndrome, classic type, 1 (EDSCL1). Also called: EHLERS-DANLOS SYNDROME, GRAVIS TYPE; EHLERS-DANLOS SYNDROME, SEVERE CLASSIC TYPE; Ehlers-Danlos syndrome, type 1; Ehlers-Danlos Syndrome, Classic Type, COL5A1-Related; EDS I. Identifiers: MedGen C0268335, MONDO:0019567, OMIM 130000.

Allele frequency attached by ClinVar (database versions not stated): TOPMed below 0.00001; gnomAD 0.00001; gnomAD exomes 0.00002.
gnomAD v4.1: 25 of 1,550,484 alleles (0.0016%); highest among the groups gnomAD compares: Non-Finnish European, 0.0021%; no homozygotes.

Submissions (5):

Women's Health and Genetics/Laboratory Corporation of America, LabCorp
Classification: Likely benign. Last evaluated: 2026-05-01. Review status: criteria provided, single submitter. Criteria: LabCorp Variant Classification Summary - May 2015. Collection method: clinical testing. Allele origin: germline.

Ambry Genetics
Classification: Likely benign for Familial thoracic aortic aneurysm and aortic dissection. Last evaluated: 2026-03-01. Review status: criteria provided, single submitter. Criteria: Ambry Variant Classification Scheme 2023. Collection method: clinical testing. Allele origin: germline.

Labcorp Genetics (formerly Invitae), Labcorp
Classification: Likely benign for Ehlers-Danlos syndrome, classic type, 1. Last evaluated: 2025-08-20. Review status: criteria provided, single submitter. Criteria: Invitae Variant Classification Sherloc (09022015). Collection method: clinical testing. Allele origin: germline.

Blueprint Genetics
Classification: Likely benign. Last evaluated: 2023-12-28. Review status: criteria provided, single submitter. Criteria: ACMG Guidelines, 2015. Collection method: clinical testing. Allele origin: germline.

GeneDx
Classification: Likely benign. Last evaluated: 2017-03-06. Review status: criteria provided, single submitter. Criteria: GeneDx Variant Classification (06012015). Collection method: clinical testing. Allele origin: germline. Affected: yes.
Comment: This variant is considered likely benign or benign based on one or more of the following criteria: it is a conservative change, it occurs at a poorly conserved position in the protein, it is predicted to be benign by multiple in silico algorithms, and/or has population frequency not consistent with disease.

NM_000093.5(COL5A1):c.3276A>G (p.Arg1092=)

Gene: COL5A1 (collagen type V alpha 1 chain; plus strand). Cytogenetic location: 9q34.3.
Variant type: single nucleotide variant.
Coding change: c.3276A>G on transcript NM_000093.5 (MANE Select); coding-DNA position 3276, A replaced by G.
Protein change: p.Arg1092=; no amino-acid change (arginine 1092 retained).
Molecular consequence: synonymous variant.
Genome position (GRCh38, 1-based): chr9:134,806,206, A>G. VCF-style: chr9-134806206-A-G. GRCh37 (hg19) VCF-style: chr9-137698052-A-G.
Other names: c.3276A>G, p.Arg1092= (NM_001278074.1).
Identifiers: ClinVar variation 507765 (VCV000507765.6), dbSNP rs1554803828, ClinGen allele CA467657696.